The following is an entry in ClinVar:

ClinVar aggregate classification (germline): Conflicting classifications of pathogenicity. Review status: criteria provided, conflicting classifications (1 of 4 stars). 10 submissions from 10 submitters: Uncertain significance (2); Benign (2); Likely benign (5). 1 of the submissions does not count toward it. Last evaluated 2026-06-01.

Conditions:
Inborn genetic diseases. Identifiers: MedGen C0950123, MeSH D030342.
Joubert syndrome 17 (JBTS17). Identifiers: Orphanet 475, MedGen C3553264, MONDO:0013824, OMIM 614615.

Allele frequency attached by ClinVar (database versions not stated): 1000 Genomes Project 30x 0.00031; 1000 Genomes Project 0.00040; ExAC 0.00053; gnomAD exomes 0.00065 and 0.00094; gnomAD 0.00080 and 0.00087; ESP Exome Variant Server 0.00092; TOPMed 0.00094.
gnomAD v4.1: 1,488 of 1,613,030 alleles (0.092%); highest among the groups gnomAD compares: Admixed American, 0.2%; 3 homozygotes.

Submissions (10):

CeGaT Center for Human Genetics Tuebingen
Classification: Likely benign. Last evaluated: 2026-06-01. Review status: criteria provided, single submitter. Criteria: CeGaT Center For Human Genetics Tuebingen Variant Classification Criteria Version 2. Collection method: clinical testing. Allele origin: germline. Affected: yes. Observed: 8 variant alleles.
Comment: CPLANE1: BP4, BP7

Labcorp Genetics (formerly Invitae), Labcorp
Classification: Benign. Last evaluated: 2026-02-01. Review status: criteria provided, single submitter. Criteria: Invitae Variant Classification Sherloc (09022015). Collection method: clinical testing. Allele origin: germline.

Blueprint Genetics
Classification: Likely benign. Last evaluated: 2024-10-23. Review status: criteria provided, single submitter. Criteria: ACMG Guidelines, 2015. Collection method: clinical testing. Allele origin: germline.

Women's Health and Genetics/Laboratory Corporation of America, LabCorp
Classification: Benign. Last evaluated: 2023-12-08. Review status: criteria provided, single submitter. Criteria: LabCorp Variant Classification Summary - May 2015. Collection method: clinical testing. Allele origin: germline.
Comment: Variant summary: CPLANE1 c.3828T>C alters a non-conserved nucleotide resulting in a synonymous change. Consensus agreement among computation tools predict no significant impact on normal splicing. However, these predictions have yet to be confirmed by functional studies. The variant allele was found at a frequency of 0.00092 in 1613030 control chromosomes, predominantly at a frequency of 0.002 within the Latino subpopulation in the gnomAD database, including 1 homozygotes. The observed variant frequency within Latino control individuals in the gnomAD database is approximately 1.35 fold of the estimated maximal expected allele frequency for a pathogenic variant in CPLANE1 causing Joubert Syndrome And Related Disorders phenotype (0.0015), strongly suggesting that the variant is a benign polymorphism found primarily in populations of Latino origin. c.3828T>C has been reported in the literature in individuals affected with Joubert Syndrome And Related Disorders (Bachman_2015). This report does not provide unequivocal conclusions about association of the variant with Joubert Syndrome And Related Disorders. To our knowledge, no experimental evidence demonstrating an impact on protein function has been reported. The following publication have been ascertained in the context of this evaluation (PMID: 26092869). Five submitters have cited clinical-significance assessments for this variant to ClinVar after 2014 and classified as benign/likely benign (n=3), likely pathogenic (n=1) and pathogenic (n=1). Multiple submitters reported the variant with conflicting assessments. Based on the evidence outlined above, the variant was classified as benign.

Ambry Genetics
Classification: Likely benign for Inborn genetic diseases. Last evaluated: 2022-03-02. Review status: criteria provided, single submitter. Criteria: Ambry Variant Classification Scheme 2023. Collection method: clinical testing. Allele origin: germline.

GeneDx
Classification: Likely benign. Last evaluated: 2020-09-30. Review status: criteria provided, single submitter. Criteria: GeneDx Variant Classification Process June 2021. Collection method: clinical testing. Allele origin: germline. Affected: yes.
Comment: This variant is associated with the following publications: (PMID: 26092869)

Illumina Laboratory Services, Illumina
Classification: Uncertain significance for Joubert syndrome 17. Last evaluated: 2018-01-12. Review status: criteria provided, single submitter. Criteria: ICSL Variant Classification Criteria 13 December 2019. Collection method: clinical testing. Allele origin: germline.

Eurofins Ntd Llc (ga)
Classification: Uncertain significance. Last evaluated: 2014-12-17. Review status: criteria provided, single submitter. Criteria: EGL Classification Definitions 2015. Collection method: clinical testing. Allele origin: germline. Observed: 2 variant alleles, 2 heterozygotes.

PreventionGenetics, part of Exact Sciences
Classification: Likely benign. Review status: criteria provided, single submitter. Criteria: ACMG Guidelines, 2015. Collection method: clinical testing. Allele origin: germline.

UW Hindbrain Malformation Research Program, University of Washington
Classification: Likely pathogenic for Joubert syndrome 17. Last evaluated: 2015-02-23. Review status: flagged submission. Criteria: Bachmann-Gagescu et al. (J Med Genet. 2015). Collection method: research. Allele origin: unknown. Affected: yes. Not counted in ClinVar's aggregate classification.
ClinVar note: Reason: Outlier claim with insufficient supporting evidence

Literature cited by the submitters: PubMed 26092869 (cited by Women's Health and Genetics/Laboratory Corporation of America, LabCorp).

NM_001384732.1(CPLANE1):c.3828T>C (p.Leu1276=)

Gene: CPLANE1 (ciliogenesis and planar polarity effector complex subunit 1; minus strand). Cytogenetic location: 5p13.2.
Variant type: single nucleotide variant.
Coding change: c.3828T>C on transcript NM_001384732.1 (MANE Select); coding-DNA position 3828, T replaced by C.
Protein change: p.Leu1276=; no amino-acid change (leucine 1276 retained).
Molecular consequence: synonymous variant.
Genome position (GRCh38, 1-based): chr5:37,187,826, A>G on the plus strand (T>C on the coding strand, the complement: CPLANE1 is on the minus strand). VCF-style: chr5-37187826-A-G. GRCh37 (hg19) VCF-style: chr5-37187928-A-G.
Other names: c.3828T>C, p.Leu1276= (NM_023073.4).
Identifiers: ClinVar variation 195696 (VCV000195696.50), dbSNP rs145520487, ClinGen allele CA242230.